The following is an entry in ClinVar:

ClinVar aggregate classification (germline): Uncertain significance (1 of 4 stars; one submission).

Conditions:
Autosomal recessive spinocerebellar ataxia 12. Also called: SPINOCEREBELLAR ATAXIA WITH MENTAL RETARDATION AND EPILEPSY. Identifiers: Orphanet 284282, MedGen C3280452, MONDO:0013687, OMIM 614322.
Developmental and epileptic encephalopathy, 1 (DEE1). Also called: INFANTILE SPASM SYNDROME, X-LINKED 1; X-linked infantile spasms; West's syndrome; Tonic spasms with clustering, arrest of psychomotor development and hypsarrhythmia on EEG; X-Linked Infantile Spasm Syndrome; Epileptic encephalopathy, early infantile, 1. Identifiers: MedGen C3463992, MONDO:0010632, OMIM 308350. Disease mechanism: loss of function.

Allele frequency attached by ClinVar (database versions not stated): TOPMed below 0.00001; gnomAD 0.00001.
gnomAD v4.1: 1 of 1,614,002 alleles (0.000062%); highest among the groups gnomAD compares: Admixed American, 0.0017%; no homozygotes.

Submission:

Labcorp Genetics (formerly Invitae), Labcorp
Classification: Uncertain significance for Developmental and epileptic encephalopathy, 1; Autosomal recessive spinocerebellar ataxia 12. Last evaluated: 2022-08-12. Review status: criteria provided, single submitter. Criteria: Invitae Variant Classification Sherloc (09022015). Collection method: clinical testing. Allele origin: germline.
Comment: In summary, the available evidence is currently insufficient to determine the role of this variant in disease. Therefore, it has been classified as a Variant of Uncertain Significance. Algorithms developed to predict the effect of missense changes on protein structure and function are either unavailable or do not agree on the potential impact of this missense change (SIFT: "Not Available"; PolyPhen-2: "Benign"; Align-GVGD: "Not Available"). This variant has not been reported in the literature in individuals affected with WWOX-related conditions. This variant is not present in population databases (gnomAD no frequency). This sequence change replaces histidine, which is basic and polar, with leucine, which is neutral and non-polar, at codon 150 of the WWOX protein (p.His150Leu).

NM_016373.4(WWOX):c.449A>T (p.His150Leu)

Gene: WWOX (WW domain containing oxidoreductase; plus strand). Cytogenetic location: 16q23.1.
Variant type: single nucleotide variant.
Coding change: c.449A>T on transcript NM_016373.4 (MANE Select); coding-DNA position 449, A replaced by T.
Protein change: p.His150Leu; replaces histidine 150 with leucine.
Molecular consequence: missense variant. On other transcripts: non-coding transcript variant (1).
Genome position (GRCh38, 1-based): chr16:78,164,222, A>T. VCF-style: chr16-78164222-A-T. GRCh37 (hg19) VCF-style: chr16-78198119-A-T.
Other names: c.110A>T, p.His37Leu (NM_001291997.2); c.449A>T, p.His150Leu (NM_130791.5); short protein forms H37L, H150L.
Identifiers: ClinVar variation 2072189 (VCV002072189.2), dbSNP rs745453076, ClinGen allele CA396841568.